The following is an entry in ClinVar:

ClinVar aggregate classification (germline): Uncertain significance (1 of 4 stars; one submission).

gnomAD v4.1: 1 of 1,614,218 alleles (0.000062%); highest among the groups gnomAD compares: Non-Finnish European, 0.000085%; no homozygotes.

Submission:

Labcorp Genetics (formerly Invitae), Labcorp
Classification: Uncertain significance. Last evaluated: 2022-11-29. Review status: criteria provided, single submitter. Criteria: Invitae Variant Classification Sherloc (09022015). Collection method: clinical testing. Allele origin: germline.
Comment: This variant is not present in population databases (gnomAD no frequency). This sequence change replaces phenylalanine, which is neutral and non-polar, with cysteine, which is neutral and slightly polar, at codon 4249 of the LRP2 protein (p.Phe4249Cys). In summary, the available evidence is currently insufficient to determine the role of this variant in disease. Therefore, it has been classified as a Variant of Uncertain Significance. Advanced modeling of protein sequence and biophysical properties (such as structural, functional, and spatial information, amino acid conservation, physicochemical variation, residue mobility, and thermodynamic stability) performed at Invitae indicates that this missense variant is not expected to disrupt LRP2 protein function. ClinVar contains an entry for this variant (Variation ID: 1360461). This variant has not been reported in the literature in individuals affected with LRP2-related conditions.

NM_004525.3(LRP2):c.12746T>G (p.Phe4249Cys)

Gene: LRP2 (LDL receptor related protein 2; minus strand). Cytogenetic location: 2q31.1.
Variant type: single nucleotide variant.
Coding change: c.12746T>G on transcript NM_004525.3 (MANE Select); coding-DNA position 12746, T replaced by G.
Protein change: p.Phe4249Cys; replaces phenylalanine 4249 with cysteine.
Molecular consequence: missense variant.
Genome position (GRCh38, 1-based): chr2:169,146,804, A>C on the plus strand (T>G on the coding strand, the complement: LRP2 is on the minus strand). VCF-style: chr2-169146804-A-C. GRCh37 (hg19) VCF-style: chr2-170003314-A-C.
Other names: short protein forms F4249C.
Identifiers: ClinVar variation 1360461 (VCV001360461.8), dbSNP rs2105348470, ClinGen allele CA349129666.